The following is an entry in ClinVar:

ClinVar aggregate classification (germline): Benign. Review status: criteria provided, multiple submitters, no conflicts (2 of 4 stars). 6 submissions from 5 submitters: Benign (4). 2 of the submissions do not count toward it. Last evaluated 2026-02-02.

Conditions:
Autosomal dominant nocturnal frontal lobe epilepsy 5. Also called: Epilepsy, nocturnal frontal lobe, 5; CILIARY DYSKINESIA, PRIMARY, 28, WITHOUT SITUS INVERSUS; CILIARY DYSKINESIA, PRIMARY, 28, WITH SITUS INVERSUS; KCNT1-Related Epilepsy. Identifiers: Orphanet 98784, MedGen C3554306, MONDO:0014002, OMIM 615005.
Developmental and epileptic encephalopathy, 14 (DEE14). Also called: Early infantile epileptic encephalopathy 14. Identifiers: Orphanet 293181, MedGen C3554195, MONDO:0013989, OMIM 614959.

Allele frequency attached by ClinVar (database versions not stated): 1000 Genomes Project 30x 0.00094; 1000 Genomes Project 0.00100; TOPMed 0.00107; gnomAD 0.00133 and 0.00140; ESP Exome Variant Server 0.00154; gnomAD exomes 0.00217; ExAC 0.00322.
gnomAD v4.1: 3,355 of 1,613,904 alleles (0.21%); highest among the groups gnomAD compares: Non-Finnish European, 0.24%; 11 homozygotes.

Submissions (6):

Labcorp Genetics (formerly Invitae), Labcorp
Classification: Benign for Autosomal dominant nocturnal frontal lobe epilepsy 5; Developmental and epileptic encephalopathy, 14. Last evaluated: 2026-02-02. Review status: criteria provided, single submitter. Criteria: Invitae Variant Classification Sherloc (09022015). Collection method: clinical testing. Allele origin: germline.

Genome-Nilou Lab
Classification: Benign for Developmental and epileptic encephalopathy, 14. Last evaluated: 2022-03-15. Review status: criteria provided, single submitter. Criteria: ACMG Guidelines, 2015. Collection method: clinical testing. Allele origin: germline. Affected: no.

Genome-Nilou Lab
Classification: Benign for Autosomal dominant nocturnal frontal lobe epilepsy 5. Last evaluated: 2022-03-15. Review status: criteria provided, single submitter. Criteria: ACMG Guidelines, 2015. Collection method: clinical testing. Allele origin: germline. Affected: no.

GeneDx
Classification: Benign. Last evaluated: 2017-04-25. Review status: criteria provided, single submitter. Criteria: GeneDx Variant Classification (06012015). Collection method: clinical testing. Allele origin: germline. Affected: yes.
Comment: This variant is considered likely benign or benign based on one or more of the following criteria: it is a conservative change, it occurs at a poorly conserved position in the protein, it is predicted to be benign by multiple in silico algorithms, and/or has population frequency not consistent with disease.

Diagnostic Laboratory, Department of Genetics, University Medical Center Groningen
Classification: Benign. Review status: no assertion criteria provided. Collection method: clinical testing. Allele origin: germline. Affected: yes. Study: VKGL Data-share Consensus. Not counted in ClinVar's aggregate classification.

Genome Diagnostics Laboratory, University Medical Center Utrecht
Classification: Likely benign. Review status: no assertion criteria provided. Collection method: clinical testing. Allele origin: germline. Affected: yes. Study: VKGL Data-share Consensus. Not counted in ClinVar's aggregate classification.

NM_020822.3(KCNT1):c.435-17G>A

Gene: KCNT1 (potassium sodium-activated channel subfamily T member 1; plus strand). Cytogenetic location: 9q34.3.
Variant type: single nucleotide variant.
Coding change: c.435-17G>A on transcript NM_020822.3 (MANE Select); 17 bases into the intron before coding-DNA position 435, G replaced by A.
Molecular consequence: intron variant.
Genome position (GRCh38, 1-based): chr9:135,753,920, G>A. VCF-style: chr9-135753920-G-A. GRCh37 (hg19) VCF-style: chr9-138645766-G-A.
Other names: c.291-17G>A (NM_001272003.2).
Identifiers: ClinVar variation 516948 (VCV000516948.14), dbSNP rs140115987, ClinGen allele CA5326441.
Genomic context (GRCh38, chr9:135,753,920, plus strand): 5'-TGGAAGCCCTCGGGCAGCAAGTCCTTGCAGTGGTGCTAGAGGGGCCAGGGCCGGGCCAGC[G>A]CTGTGTCTCTCCACAGCTGGGGCTGCCCAAAGCAGAACTACTCCTTCAATGACTCGTCCT-3'